The following is an entry in ClinVar:

ClinVar aggregate classification (germline): Uncertain significance (1 of 4 stars; one submission).

Allele frequency attached by ClinVar (database versions not stated): gnomAD exomes 0.00001; ExAC 0.00004; gnomAD 0.00005; TOPMed 0.00007.
gnomAD v4.1: 24 of 1,608,306 alleles (0.0015%); highest among the groups gnomAD compares: East Asian, 0.051%; no homozygotes.

Submission:

Labcorp Genetics (formerly Invitae), Labcorp
Classification: Uncertain significance. Last evaluated: 2023-11-27. Review status: criteria provided, single submitter. Criteria: Invitae Variant Classification Sherloc (09022015). Collection method: clinical testing. Allele origin: germline.
Comment: This sequence change replaces lysine, which is basic and polar, with arginine, which is basic and polar, at codon 78 of the UQCC3 protein (p.Lys78Arg). This variant is present in population databases (rs760613205, gnomAD 0.2%), and has an allele count higher than expected for a pathogenic variant. This variant has not been reported in the literature in individuals affected with UQCC3-related conditions. Algorithms developed to predict the effect of missense changes on protein structure and function output the following: SIFT: "Not Available"; PolyPhen-2: "Possibly Damaging"; Align-GVGD: "Not Available". The arginine amino acid residue is found in multiple mammalian species, which suggests that this missense change does not adversely affect protein function. In summary, the available evidence is currently insufficient to determine the role of this variant in disease. Therefore, it has been classified as a Variant of Uncertain Significance.

NM_001085372.3(UQCC3):c.233A>G (p.Lys78Arg)

Genes: LBHD1 (LBH domain containing 1; minus strand), UQCC3 (ubiquinol-cytochrome c reductase complex assembly factor 3; plus strand). Cytogenetic location: 11q12.3.
Variant type: single nucleotide variant.
Coding change: c.233A>G on transcript NM_001085372.3 (MANE Select); coding-DNA position 233, A replaced by G.
Protein change: p.Lys78Arg; replaces lysine 78 with arginine.
Molecular consequence: missense variant. On other transcripts: 5 prime UTR variant (12).
Genome position (GRCh38, 1-based): chr11:62,672,065, A>G. VCF-style: chr11-62672065-A-G. GRCh37 (hg19) VCF-style: chr11-62439537-A-G.
Other names: c.-512T>C (NM_001367940.2, NM_024099.5); c.-1029T>C (NM_001367941.2); c.-318T>C (NM_001394596.1, NM_001394599.1, NM_001394601.1 and 1 more transcripts); c.-560T>C (NM_001394604.1, NM_001394607.1); c.-705T>C (NM_001394609.1); c.-636T>C (NM_001394611.1); c.-960T>C (NM_001394612.1); short protein forms K78R.
Identifiers: ClinVar variation 2715131 (VCV002715131.3), dbSNP rs760613205, ClinGen allele CA6052597.
Genomic context (GRCh38, chr11:62,672,065, plus strand): 5'-AGCTATTGCTGGCCACTCTGCAGGAGGCAGCGACCACGCAGGAGAACGTGGCCTGGAGGA[A>G]GAACTGGATGGTTGGCGGCGAAGGCGGCGCCGGCGGGAGGTCACCGTGAGACCGGACTTG-3'
Protein context (NP_001078841.1, residues 68-88): ATTQENVAWR[Lys78Arg]NWMVGGEGGA